The following is an entry in ClinVar:

ClinVar aggregate classification (germline): Pathogenic (1 of 4 stars; one submission).

Submission:

Labcorp Genetics (formerly Invitae), Labcorp
Classification: Pathogenic. Last evaluated: 2022-10-28. Review status: criteria provided, single submitter. Criteria: Invitae Variant Classification Sherloc (09022015). Collection method: clinical testing. Allele origin: germline.
Comment: This sequence change affects a donor splice site in intron 5 of the CLCNKB gene. It is expected to disrupt RNA splicing. Variants that disrupt the donor or acceptor splice site typically lead to a loss of protein function (PMID: 16199547), and loss-of-function variants in CLCNKB are known to be pathogenic (PMID: 24830959, 26920127, 28381550, 29254190). For these reasons, this variant has been classified as Pathogenic. Algorithms developed to predict the effect of sequence changes on RNA splicing suggest that this variant may disrupt the consensus splice site. Disruption of this splice site has been observed in individual(s) with Bartter syndrome (PMID: 28381550, 31672324). In at least one individual the data is consistent with being in trans (on the opposite chromosome) from a pathogenic variant. This variant is not present in population databases (gnomAD no frequency).

Literature cited by the submitters: PubMed 16199547; PubMed 24830959; PubMed 26920127; PubMed 28381550; PubMed 29254190; PubMed 31672324.

NM_000085.5(CLCNKB):c.498+2T>G

Genes: CLCNKB (chloride voltage-gated channel Kb; plus strand), LOC106501713 (CLCNKB recombination region; plus strand). Cytogenetic location: 1p36.13.
Variant type: single nucleotide variant.
Coding change: c.498+2T>G on transcript NM_000085.5 (MANE Select); the canonical splice donor site of the intron after coding-DNA position 498, T replaced by G.
Molecular consequence: splice donor variant.
Genome position (GRCh38, 1-based): chr1:16,048,046, T>G. VCF-style: chr1-16048046-T-G. GRCh37 (hg19) VCF-style: chr1-16374541-T-G.
Identifiers: ClinVar variation 2081409 (VCV002081409.4), dbSNP rs2524375969, ClinGen allele CA338634206.